The following is an entry in ClinVar:

ClinVar aggregate classification (germline): Uncertain significance. Review status: criteria provided, multiple submitters, no conflicts (2 of 4 stars). 2 submissions from 2 submitters: Uncertain significance (2). Last evaluated 2025-09-14.

Conditions:
Inborn genetic diseases. Identifiers: MedGen C0950123, MeSH D030342.

Allele frequency attached by ClinVar (database versions not stated): gnomAD 0.00001 and 0.00002; TOPMed 0.00004.
gnomAD v4.1: 4 of 1,208,664 alleles (0.00033%); highest among the groups gnomAD compares: African/African-American, 0.0052%; no homozygotes.

Submissions (2):

Labcorp Genetics (formerly Invitae), Labcorp
Classification: Uncertain significance. Last evaluated: 2025-09-14. Review status: criteria provided, single submitter. Criteria: Invitae Variant Classification Sherloc (09022015). Collection method: clinical testing. Allele origin: germline.
Comment: This sequence change replaces proline, which is neutral and non-polar, with leucine, which is neutral and non-polar, at codon 698 of the FRMD7 protein (p.Pro698Leu). This variant is present in population databases (no rsID available, gnomAD 0.008%). This variant has not been reported in the literature in individuals affected with FRMD7-related conditions. ClinVar contains an entry for this variant (Variation ID: 1003402). An algorithm developed to predict the effect of missense changes on protein structure and function outputs the following: PolyPhen-2: "Benign". The leucine amino acid residue is found in multiple mammalian species, which suggests that this missense change does not adversely affect protein function. In summary, the available evidence is currently insufficient to determine the role of this variant in disease. Therefore, it has been classified as a Variant of Uncertain Significance.

Ambry Genetics
Classification: Uncertain significance for Inborn genetic diseases. Last evaluated: 2025-06-18. Review status: criteria provided, single submitter. Criteria: Ambry Variant Classification Scheme 2023. Collection method: clinical testing. Allele origin: germline.

NM_194277.3(FRMD7):c.2093C>T (p.Pro698Leu)

Gene: FRMD7 (FERM domain containing 7; minus strand). Cytogenetic location: Xq26.2.
Variant type: single nucleotide variant.
Coding change: c.2093C>T on transcript NM_194277.3 (MANE Select); coding-DNA position 2093, C replaced by T.
Protein change: p.Pro698Leu; replaces proline 698 with leucine.
Molecular consequence: missense variant.
Genome position (GRCh38, 1-based): chrX:132,077,924, G>A on the plus strand (C>T on the coding strand, the complement: FRMD7 is on the minus strand). VCF-style: chrX-132077924-G-A. GRCh37 (hg19) VCF-style: chrX-131211952-G-A.
Other names: c.2048C>T, p.Pro683Leu (NM_001306193.2); c.2093C>T (NM_194277.2); short protein forms P683L, P698L.
Identifiers: ClinVar variation 1003402 (VCV001003402.9), dbSNP rs755805433, ClinGen allele CA335857459.